The following is an entry in ClinVar:

ClinVar aggregate classification (germline): Uncertain significance (1 of 4 stars; one submission).

gnomAD v4.1: 3 of 1,601,076 alleles (0.00019%); highest among the groups gnomAD compares: Non-Finnish European, 0.00026%; no homozygotes.

Submission:

Ambry Genetics
Classification: Uncertain significance. Last evaluated: 2026-07-26. Review status: criteria provided, single submitter. Criteria: Ambry Variant Classification Scheme 2023. Collection method: clinical testing. Allele origin: germline.
Comment: The p.N919K variant (also known as c.2757C>G), located in coding exon 16 of the PKP4 gene, results from a C to G substitution at nucleotide position 2757. The asparagine at codon 919 is replaced by lysine, an amino acid with similar properties. This amino acid position is conserved. In addition, this alteration is predicted to be tolerated by in silico analysis. Based on the available evidence, the clinical significance of this variant remains unclear.

NM_003628.6(PKP4):c.2757C>G (p.Asn919Lys)

Genes: PKP4 (plakophilin 4; plus strand), PKP4-AS1 (PKP4 antisense RNA 1; minus strand). Cytogenetic location: 2q24.1.
Variant type: single nucleotide variant.
Coding change: c.2757C>G on transcript NM_003628.6 (MANE Select); coding-DNA position 2757, C replaced by G.
Protein change: p.Asn919Lys; replaces asparagine 919 with lysine.
Molecular consequence: missense variant.
Genome position (GRCh38, 1-based): chr2:158,669,748, C>G. VCF-style: chr2-158669748-C-G. GRCh37 (hg19) VCF-style: chr2-159526260-C-G.
Other names: c.2754C>G, p.Asn918Lys (NM_001304969.3, NM_001377219.1, NM_001377220.1 and 2 more transcripts); c.1728C>G, p.Asn576Lys (NM_001304970.3); c.2757C>G, p.Asn919Lys (NM_001377218.1, NM_001377225.1, NM_001005476.4); c.2751C>G, p.Asn917Lys (NM_001377222.1, NM_001377223.1); c.2748C>G, p.Asn916Lys (NM_001377224.1); short protein forms N917K, N919K, N916K, N918K, N576K.
Identifiers: ClinVar variation 5026799 (VCV005026799.1).